The following is an entry in ClinVar:

ClinVar aggregate classification (germline): Conflicting classifications of pathogenicity. Review status: criteria provided, conflicting classifications (1 of 4 stars). 2 submissions from 2 submitters: Uncertain significance (1); Likely benign (1). Last evaluated 2024-11-25.

Conditions:
Primary ciliary dyskinesia 33. Also called: CILIARY DYSKINESIA, PRIMARY, 33, WITHOUT SITUS INVERSUS. Identifiers: Orphanet 244, MedGen C4225230, MONDO:0014750, OMIM 616726.
Inborn genetic diseases. Identifiers: MedGen C0950123, MeSH D030342.

Allele frequency attached by ClinVar (database versions not stated): ExAC 0.00002; gnomAD 0.00002; gnomAD exomes 0.00002 and 0.00007; TOPMed 0.00002.
gnomAD v4.1: 103 of 1,613,728 alleles (0.0064%); highest among the groups gnomAD compares: Non-Finnish European, 0.0086%; no homozygotes.

Submissions (2):

Ambry Genetics
Classification: Likely benign for Inborn genetic diseases. Last evaluated: 2024-11-25. Review status: criteria provided, single submitter. Criteria: Ambry Variant Classification Scheme 2023. Collection method: clinical testing. Allele origin: germline.

Labcorp Genetics (formerly Invitae), Labcorp
Classification: Uncertain significance for Primary ciliary dyskinesia 33. Last evaluated: 2024-02-06. Review status: criteria provided, single submitter. Criteria: Invitae Variant Classification Sherloc (09022015). Collection method: clinical testing. Allele origin: germline.
Comment: This sequence change replaces glycine, which is neutral and non-polar, with serine, which is neutral and polar, at codon 217 of the GAS8 protein (p.Gly217Ser). This variant is present in population databases (rs780805985, gnomAD 0.006%). This variant has not been reported in the literature in individuals affected with GAS8-related conditions. ClinVar contains an entry for this variant (Variation ID: 1497944). Advanced modeling of protein sequence and biophysical properties (such as structural, functional, and spatial information, amino acid conservation, physicochemical variation, residue mobility, and thermodynamic stability) performed at Invitae indicates that this missense variant is not expected to disrupt GAS8 protein function with a negative predictive value of 80%. In summary, the available evidence is currently insufficient to determine the role of this variant in disease. Therefore, it has been classified as a Variant of Uncertain Significance.

NM_001481.3(DRC4):c.649G>A (p.Gly217Ser)

Gene: DRC4 (dynein regulatory complex subunit 4; plus strand). Cytogenetic location: 16q24.3.
Variant type: single nucleotide variant.
Coding change: c.649G>A on transcript NM_001481.3 (MANE Select); coding-DNA position 649, G replaced by A.
Protein change: p.Gly217Ser; replaces glycine 217 with serine.
Molecular consequence: missense variant.
Genome position (GRCh38, 1-based): chr16:90,036,479, G>A. VCF-style: chr16-90036479-G-A. GRCh37 (hg19) VCF-style: chr16-90102887-G-A.
Other names: c.400G>A, p.Gly134Ser (NM_001286205.2); c.73G>A, p.Gly25Ser (NM_001286208.2); c.574G>A, p.Gly192Ser (NM_001286209.2); c.649G>A (NM_001481.2); short protein forms G134S, G192S, G25S, G217S.
Identifiers: ClinVar variation 1497944 (VCV001497944.7), dbSNP rs780805985, ClinGen allele CA8257909.